The following is an entry in ClinVar:

ClinVar aggregate classification (germline): Conflicting classifications of pathogenicity. Review status: criteria provided, conflicting classifications (1 of 4 stars). 8 submissions from 8 submitters: Likely pathogenic (1); Uncertain significance (1); Benign (1); Likely benign (4). 1 of the submissions does not count toward it. Last evaluated 2026-03-24.

Conditions:
Tyrosinase-positive oculocutaneous albinism (OCA2). Also called: Albinism, oculocutaneous, type II; Oculocutaneous albinism type 2; ALBINISM II. Identifiers: Orphanet 79432, MedGen C0268495, MONDO:0008746, OMIM 203200.
OCA2-related disorder. Also called: OCA2-related condition.

Allele frequency attached by ClinVar (database versions not stated): 1000 Genomes Project 30x 0.00531; gnomAD 0.00618 and 0.00634; 1000 Genomes Project 0.00619; TOPMed 0.00642; ESP Exome Variant Server 0.00677.
gnomAD v4.1: 13,844 of 1,593,592 alleles (0.87%); highest among the groups gnomAD compares: Non-Finnish European, 1%; 80 homozygotes.

Submissions (10):

Molecular Genetics, University Hospital Bordeaux
Classification: Likely pathogenic for Tyrosinase-positive oculocutaneous albinism. Last evaluated: 2026-03-24. Review status: criteria provided, single submitter. Criteria: ACMG Guidelines, 2015. Collection method: clinical testing, in vitro. Allele origin: inherited, not applicable. Affected: yes. Functional consequence: skipped exon.
Comment: Various in silico tools predicted an effect on splicing. Functional testing by RT-PCR showed skipping of exons 6 and 7 that is predicted to cause an in-frame deletion of 78 amino acids in the OCA2 protein. Modeling according to Mesdaghi et al., 2023 showed that the deletion strongly compromises OCA2 protein function. The variant was found in trans to a likely pathogenic variant. Although the variant is relatively frequent (MAF=0.0087, with 13844 heterozygotes and 80 homozygotes in the control population GnomADv4.1.0), it could be classified as likely pathogenic according to ACMG criteria PM3 (in trans to a likely pathogenic variant), PM4 (protein length changes as a result of in-frame deletion in a nonrepeat region), PS3 (well-established in vitro functional study, ie RT-PCR, supportive of a damaging effect), BS2 (variant observed in a healthy adult individual in the homozygous state). Data suggest that this variant is hypomorphic and does not cause the disease when present in the homozygous state, but does so when present in the compound heterozygous state with another likely pathogenic or pathogenic variant.

Labcorp Genetics (formerly Invitae), Labcorp
Classification: Benign. Last evaluated: 2026-02-02. Review status: criteria provided, single submitter. Criteria: Invitae Variant Classification Sherloc (09022015). Collection method: clinical testing. Allele origin: germline.

CeGaT Center for Human Genetics Tuebingen
Classification: Likely benign. Last evaluated: 2026-01-01. Review status: criteria provided, single submitter. Criteria: CeGaT Center For Human Genetics Tuebingen Variant Classification Criteria Version 2. Collection method: clinical testing. Allele origin: germline. Affected: yes. Observed: 7 variant alleles.
Comment: OCA2: BS1

Blueprint Genetics
Classification: Likely benign. Last evaluated: 2024-11-28. Review status: criteria provided, single submitter. Criteria: ACMG Guidelines, 2015. Collection method: clinical testing. Allele origin: germline.

Genome-Nilou Lab
Classification: Likely benign for Tyrosinase-positive oculocutaneous albinism. Last evaluated: 2021-11-07. Review status: criteria provided, single submitter. Criteria: ACMG Guidelines, 2015. Collection method: clinical testing. Allele origin: germline. Affected: no.

Eurofins Ntd Llc (ga)
Classification: Uncertain significance. Last evaluated: 2017-10-27. Review status: criteria provided, single submitter. Criteria: EGL Classification Definitions 2015. Collection method: clinical testing. Allele origin: germline. Observed: 1 variant allele, 1 heterozygote.

Laboratory for Molecular Medicine, Mass General Brigham Personalized Medicine
Classification: Likely benign. Last evaluated: 2016-03-28. Review status: criteria provided, single submitter. Criteria: LMM Criteria. Collection method: clinical testing. Allele origin: germline. Observed: 1 variant allele.
Comment: Disclaimer: This variant has not undergone full assessment. The following are pr eliminary notes: outside ROI. OB 12/14/15: One compound het patient with with oc ular albinism who had exon 7 deletion and this variant was reported (Spritz 1995 ). Freq 1.1%

PreventionGenetics, part of Exact Sciences
Classification: Likely benign for OCA2-related condition. Last evaluated: 2023-03-15. Review status: no assertion criteria provided. Collection method: clinical testing. Allele origin: germline. Not counted in ClinVar's aggregate classification.
Comment: This variant is classified as likely benign based on ACMG/AMP sequence variant interpretation guidelines (Richards et al. 2015 PMID: 25741868, with internal and published modifications).

Dr. Peter K. Rogan Lab, Western University
No classification provided (evidence only). Condition: Ovarian serous cystadenocarcinoma. Review status: no classification provided. Collection method: in vitro. Allele origin: not applicable. Functional consequence: retained intron. Not counted in ClinVar's aggregate classification.

Dr. Peter K. Rogan Lab, Western University
No classification provided (evidence only). Condition: Uveal melanoma. Review status: no classification provided. Collection method: in vitro. Allele origin: not applicable. Functional consequence: retained intron. Not counted in ClinVar's aggregate classification.

NM_000275.3(OCA2):c.574-19A>G

Gene: OCA2 (OCA2 melanosomal transmembrane protein; minus strand). Cytogenetic location: 15q13.1.
Variant type: single nucleotide variant.
Coding change: c.574-19A>G on transcript NM_000275.3 (MANE Select); 19 bases into the intron before coding-DNA position 574, A replaced by G.
Molecular consequence: intron variant.
Genome position (GRCh38, 1-based): chr15:28,022,592, T>C on the plus strand (A>G on the coding strand, the complement: OCA2 is on the minus strand). VCF-style: chr15-28022592-T-C. GRCh37 (hg19) VCF-style: chr15-28267738-T-C.
Other names: c.574-19A>G (NM_001300984.2).
Identifiers: ClinVar variation 504924 (VCV000504924.62), dbSNP rs145242923, ClinGen allele CA7439421.
Genomic context (GRCh38, chr15:28,022,592, plus strand): 5'-CTGCCAGAGCTTTCCTTGATCCGGATATAGGCTGAACAAAATCTGTAACAATCAGAAACG[T>C]TGAATGACAGAGGTGTGGTATGAGAGCAGTAAGGTATAAATCATTTTGATAACAGTCGAA-3'